The following is an entry in ClinVar:

NM_000371.4(TTR):c.355G>A (p.Asp119Asn)

Gene: TTR (transthyretin; plus strand). Cytogenetic location: 18q12.1.
Variant type: single nucleotide variant.
Coding change: c.355G>A on transcript NM_000371.4 (MANE Select); coding-DNA position 355, G replaced by A.
Protein change: p.Asp119Asn; replaces aspartic acid 119 with asparagine.
Molecular consequence: missense variant.
Genome position (GRCh38, 1-based): chr18:31,598,586, G>A. VCF-style: chr18-31598586-G-A. GRCh37 (hg19) VCF-style: chr18-29178549-G-A.
Other names: p.D119N:GAC>AAC; short protein forms D119N.
Identifiers: ClinVar variation 181690 (VCV000181690.25), dbSNP rs76410435, ClinGen allele CA297513.

ClinVar aggregate classification (germline): Conflicting classifications of pathogenicity. Review status: criteria provided, conflicting classifications (1 of 4 stars). 8 submissions from 8 submitters: Uncertain significance (3); Likely benign (5). Last evaluated 2026-01-26.

Conditions:
TTR-related disorder. Also called: TTR-related disorders; TTR-related condition.
Cardiovascular phenotype. Identifiers: MedGen CN230736.
Charcot-Marie-Tooth disease. Also called: Charcot-Marie-Tooth Hereditary Neuropathy; Charcot-Marie-Tooth Neuropathy. Identifiers: Orphanet 166, MedGen C0007959, MONDO:0015626.
Amyloidosis, hereditary systemic 1 (AMYLD1). Also called: Isolated Cardiac Amyloidosis; Amyloid Cardiomyopathy, Transthyretin-related; Hereditary oculoleptomeningeal amyloid angiopathy; Familial Transthyretin Amyloidosis; AMYLOID CARDIOMYOPATHY; Hereditary Transthyretin Amyloidosis. Identifiers: Orphanet 85447, Orphanet 85451, MedGen C2751492, MONDO:0971004, OMIM 105210.

Allele frequency attached by ClinVar (database versions not stated): ExAC 0.00002; gnomAD exomes 0.00003 and 0.00008; TOPMed 0.00005; gnomAD 0.00006 and 0.00007.
gnomAD v4.1: 126 of 1,613,920 alleles (0.0078%); highest among the groups gnomAD compares: East Asian, 0.14%; no homozygotes.

Submissions (8):

Labcorp Genetics (formerly Invitae), Labcorp
Classification: Uncertain significance for Amyloidosis, hereditary systemic 1. Last evaluated: 2026-01-26. Review status: criteria provided, single submitter. Criteria: Invitae Variant Classification Sherloc (09022015). Collection method: clinical testing. Allele origin: germline.
Comment: This sequence change replaces aspartic acid, which is acidic and polar, with asparagine, which is neutral and polar, at codon 119 of the TTR protein (p.Asp119Asn). This variant is present in population databases (rs76410435, gnomAD 0.02%). This missense change has been observed in individual(s) with clinical features of TTR-related conditions (PMID: 32376792, 34658264; internal data). This variant is also known as D99N. ClinVar contains an entry for this variant (Variation ID: 181690). Invitae Evidence Modeling of protein sequence and biophysical properties (such as structural, functional, and spatial information, amino acid conservation, physicochemical variation, residue mobility, and thermodynamic stability) indicates that this missense variant is expected to disrupt TTR protein function with a positive predictive value of 95%. Experimental studies have shown that this missense change does not substantially affect TTR function (PMID: 21406045). In summary, the available evidence is currently insufficient to determine the role of this variant in disease. Therefore, it has been classified as a Variant of Uncertain Significance.

PreventionGenetics, part of Exact Sciences
Classification: Uncertain significance for TTR-related condition. Last evaluated: 2025-11-24. Review status: criteria provided, single submitter. Criteria: ACMG Guidelines, 2015. Collection method: clinical testing. Allele origin: germline.
Comment: The TTR c.355G>A variant is predicted to result in the amino acid substitution p.Asp119Asn. This variant has been reported in an individual with polyneuropathy (Skrahina et al. 2021. PubMed ID: 34658264) and in an individual with Charcot-Marie Tooth Disease (Table S2. Volodarsky et al. 2021. PubMed ID: 32376792). This variant has been reported to cause lower tetramer stability scores compared to wildtype (Christoffersen et al. 2024. PubMed ID: 39630472). This variant is reported in 0.015% of alleles in individuals of East Asian descent in gnomAD and has conflicting interpretations regarding its pathogenicity in ClinVar, ranging from likely benign to uncertain (Variation ID: 181690). Although we suspect that this variant may be benign, at this time, the clinical significance of this variant is uncertain due to the absence of conclusive functional and genetic evidence.

Women's Health and Genetics/Laboratory Corporation of America, LabCorp
Classification: Likely benign. Last evaluated: 2025-06-23. Review status: criteria provided, single submitter. Criteria: LabCorp Variant Classification Summary - May 2015. Collection method: clinical testing. Allele origin: germline.
Comment: Variant summary: TTR c.355G>A (p.Asp119Asn) results in a conservative amino acid change in the encoded protein sequence. Algorithms developed to predict the effect of missense changes on protein structure and function are either unavailable or do not agree on the potential impact of this missense change. The variant allele was found at a frequency of 7.8e-05 in 1613920 control chromosomes. The observed variant frequency is approximately 2.5 fold of the estimated maximal expected allele frequency for a pathogenic variant in TTR causing Transthyretin Amyloidosis phenotype (3.1e-05). c.355G>A has been reported in the literature without strong evidence for causality (Volodarsky_2021, Shrahina_2021). These report(s) do not provide unequivocal conclusions about association of the variant with Transthyretin Amyloidosis. Experimental studies have shown that this missense change does not substantially affect TTR function (Groenning_2011). The following publications have been ascertained in the context of this evaluation (PMID: 32376792, 34658264, 21406045). ClinVar contains an entry for this variant (Variation ID: 181690). Based on the evidence outlined above, the variant was classified as likely benign.

GeneDx
Classification: Likely benign. Last evaluated: 2020-12-08. Review status: criteria provided, single submitter. Criteria: GeneDx Variant Classification Process June 2021. Collection method: clinical testing. Allele origin: germline. Affected: yes.
Comment: In silico analysis, which includes protein predictors and evolutionary conservation, supports that this variant does not alter protein structure/function; This variant is associated with the following publications: (PMID: 21406045, 30683924, 32376792)

Ambry Genetics
Classification: Likely benign for Cardiovascular phenotype. Last evaluated: 2020-01-23. Review status: criteria provided, single submitter. Criteria: Ambry Variant Classification Scheme 2023. Collection method: clinical testing. Allele origin: germline.

ARUP Laboratories, Molecular Genetics and Genomics, ARUP Laboratories
Classification: Likely benign. Last evaluated: 2017-12-20. Review status: criteria provided, single submitter. Criteria: ARUP Molecular Germline Variant Investigation Process. Collection method: clinical testing. Allele origin: germline.

Illumina Laboratory Services, Illumina
Classification: Likely benign for Amyloidosis, hereditary systemic 1. Last evaluated: 2017-04-27. Review status: criteria provided, single submitter. Criteria: ICSL Variant Classification Criteria 13 December 2019. Collection method: clinical testing. Allele origin: germline.
Comment: This variant was observed as part of a predisposition screen in an ostensibly healthy population. A literature search was performed for the gene, cDNA change, and amino acid change (where applicable). Publications were found based on this search. The evidence from the literature, in combination with allele frequency data from public databases where available, was sufficient to determine this variant is unlikely to cause disease. Therefore, this variant is classified as likely benign.

Molecular Genetics Laboratory, London Health Sciences Centre
Classification: Uncertain significance for Charcot-Marie-Tooth disease. Review status: criteria provided, single submitter. Criteria: ACMG Guidelines, 2015. Collection method: clinical testing. Allele origin: germline. Affected: yes.

Literature cited by the submitters: PubMed 32376792 (cited by Labcorp Genetics (formerly Invitae), Labcorp and Women's Health and Genetics/Laboratory Corporation of America, LabCorp); PubMed 34658264 (cited by Labcorp Genetics (formerly Invitae), Labcorp and Women's Health and Genetics/Laboratory Corporation of America, LabCorp); PubMed 21406045 (cited by 4 submitters).